The following is an entry in ClinVar:

ClinVar aggregate classification (germline): Likely benign. Review status: criteria provided, multiple submitters, no conflicts (2 of 4 stars). 3 submissions from 3 submitters: Likely benign (3). Last evaluated 2025-12-28.

Conditions:
Left ventricular noncompaction 8 (LVNC8). Identifiers: Orphanet 154, Orphanet 54260, MedGen C3809288, MONDO:0014152, OMIM 615373.

Allele frequency attached by ClinVar (database versions not stated): ExAC 0.00011; gnomAD 0.00022; TOPMed 0.00040; ESP Exome Variant Server 0.00062; 1000 Genomes Project 30x 0.00094; 1000 Genomes Project 0.00100.
gnomAD v4.1: 114 of 1,549,340 alleles (0.0074%); highest among the groups gnomAD compares: African/African-American, 0.14%; 1 homozygote.

Submissions (3):

Labcorp Genetics (formerly Invitae), Labcorp
Classification: Likely benign for Left ventricular noncompaction 8. Last evaluated: 2025-12-28. Review status: criteria provided, single submitter. Criteria: Invitae Variant Classification Sherloc (09022015). Collection method: clinical testing. Allele origin: germline.

Blueprint Genetics
Classification: Likely benign. Last evaluated: 2022-12-15. Review status: criteria provided, single submitter. Criteria: ACMG Guidelines, 2015. Collection method: clinical testing. Allele origin: germline.

GeneDx
Classification: Likely benign. Last evaluated: 2017-07-21. Review status: criteria provided, single submitter. Criteria: GeneDx Variant Classification (06012015). Collection method: clinical testing. Allele origin: germline. Affected: yes.
Comment: This variant is considered likely benign or benign based on one or more of the following criteria: it is a conservative change, it occurs at a poorly conserved position in the protein, it is predicted to be benign by multiple in silico algorithms, and/or has population frequency not consistent with disease.

NM_022114.4(PRDM16):c.1033-17G>T

Gene: PRDM16 (PR/SET domain 16; plus strand). Cytogenetic location: 1p36.32.
Variant type: single nucleotide variant.
Coding change: c.1033-17G>T on transcript NM_022114.4 (MANE Select); 17 bases into the intron before coding-DNA position 1033, G replaced by T.
Molecular consequence: intron variant.
Genome position (GRCh38, 1-based): chr1:3,405,478, G>T. VCF-style: chr1-3405478-G-T. GRCh37 (hg19) VCF-style: chr1-3322042-G-T.
Other names: c.1033-17G>T (NM_199454.3).
Identifiers: ClinVar variation 510908 (VCV000510908.10), dbSNP rs374947232, ClinGen allele CA544078.